The following is an entry in ClinVar:

ClinVar aggregate classification (germline): Uncertain significance (1 of 4 stars; one submission).

Conditions:
Early-infantile DEE. Also called: Early infantile epileptic encephalopathy; Early infantile epileptic encephalopathy with suppression bursts; Ohtahara syndrome. Identifiers: Orphanet 1934, MedGen C0393706, MONDO:0800491.

Allele frequency attached by ClinVar (database versions not stated): gnomAD exomes 0.00001.
gnomAD v4.1: 4 of 1,613,226 alleles (0.00025%); highest among the groups gnomAD compares: East Asian, 0.0067%; no homozygotes.

Submission:

Labcorp Genetics (formerly Invitae), Labcorp
Classification: Uncertain significance for Early-infantile DEE. Last evaluated: 2022-02-20. Review status: criteria provided, single submitter. Criteria: Invitae Variant Classification Sherloc (09022015). Collection method: clinical testing. Allele origin: germline.
Comment: In summary, the available evidence is currently insufficient to determine the role of this variant in disease. Therefore, it has been classified as a Variant of Uncertain Significance. Algorithms developed to predict the effect of missense changes on protein structure and function output the following: SIFT: "Tolerated"; PolyPhen-2: "Benign"; Align-GVGD: "Class C0". The isoleucine amino acid residue is found in multiple mammalian species, which suggests that this missense change does not adversely affect protein function. This variant has not been reported in the literature in individuals affected with CACNA2D2-related conditions. This variant is not present in population databases (gnomAD no frequency). This sequence change replaces valine, which is neutral and non-polar, with isoleucine, which is neutral and non-polar, at codon 957 of the CACNA2D2 protein (p.Val957Ile).

NM_006030.4(CACNA2D2):c.2869G>A (p.Val957Ile)

Genes: CACNA2D2 (calcium voltage-gated channel auxiliary subunit alpha2delta 2; minus strand), LOC101928965 (uncharacterized LOC101928965; plus strand), LOC127898564 (CYB561D2-LOC101928965; plus strand). Cytogenetic location: 3p21.31.
Variant type: single nucleotide variant.
Coding change: c.2869G>A on transcript NM_006030.4 (MANE Select); coding-DNA position 2869, G replaced by A.
Protein change: p.Val957Ile; replaces valine 957 with isoleucine.
Molecular consequence: missense variant. On other transcripts: non-coding transcript variant (1).
Genome position (GRCh38, 1-based): chr3:50,365,856, C>T on the plus strand (G>A on the coding strand, the complement: CACNA2D2 is on the minus strand). VCF-style: chr3-50365856-C-T. GRCh37 (hg19) VCF-style: chr3-50403287-C-T.
Other names: c.2869G>A, p.Val957Ile (NM_001005505.3); c.2890G>A, p.Val964Ile (NM_001174051.3); c.2662G>A, p.Val888Ile (NM_001291101.1); c.2872G>A, p.Val958Ile (NM_001410768.1); short protein forms V957I, V888I, V958I, V964I.
Identifiers: ClinVar variation 2099380 (VCV002099380.4), dbSNP rs1704238712, ClinGen allele CA352903732.